The following is an entry in ClinVar:

ClinVar aggregate classification (germline): Uncertain significance. Review status: criteria provided, multiple submitters, no conflicts (2 of 4 stars). 2 submissions from 2 submitters: Uncertain significance (2). Last evaluated 2025-09-28.

Conditions:
Hereditary cancer-predisposing syndrome. Also called: Tumor predisposition; Hereditary Cancer Syndrome; Hereditary neoplastic syndrome; Neoplastic Syndromes, Hereditary. Identifiers: Orphanet 140162, MedGen C0027672, MeSH D009386, MONDO:0015356.
Familial adenomatous polyposis 1 (FAP1). Also called: FAMILIAL ADENOMATOUS POLYPOSIS 1, ATTENUATED; POLYPOSIS, ADENOMATOUS INTESTINAL. Identifiers: MedGen C2713442, MONDO:0021056, OMIM 175100. Disease mechanism: loss of function.

gnomAD v4.1: 6 of 1,614,132 alleles (0.00037%); highest among the groups gnomAD compares: South Asian, 0.0033%; no homozygotes.

Submissions (2):

Labcorp Genetics (formerly Invitae), Labcorp
Classification: Uncertain significance for Familial adenomatous polyposis 1. Last evaluated: 2025-09-28. Review status: criteria provided, single submitter. Criteria: Invitae Variant Classification Sherloc (09022015). Collection method: clinical testing. Allele origin: germline.
Comment: This sequence change replaces asparagine, which is neutral and polar, with isoleucine, which is neutral and non-polar, at codon 1113 of the APC protein (p.Asn1113Ile). This variant is not present in population databases (gnomAD no frequency). This variant has not been reported in the literature in individuals affected with APC-related conditions. ClinVar contains an entry for this variant (Variation ID: 1481791). Invitae Evidence Modeling of protein sequence and biophysical properties (such as structural, functional, and spatial information, amino acid conservation, physicochemical variation, residue mobility, and thermodynamic stability) indicates that this missense variant is not expected to disrupt APC protein function with a negative predictive value of 95%. In summary, the available evidence is currently insufficient to determine the role of this variant in disease. Therefore, it has been classified as a Variant of Uncertain Significance.

Ambry Genetics
Classification: Uncertain significance for Hereditary cancer-predisposing syndrome. Last evaluated: 2025-07-29. Review status: criteria provided, single submitter. Criteria: Ambry Variant Classification Scheme 2023. Collection method: clinical testing. Allele origin: germline.
Comment: The p.N1113I variant (also known as c.3338A>T), located in coding exon 15 of the APC gene, results from an A to T substitution at nucleotide position 3338. The asparagine at codon 1113 is replaced by isoleucine, an amino acid with dissimilar properties. This amino acid position is well conserved in available vertebrate species. In addition, in silico predictors for this gene do not accurately predict pathogenicity. Missense alterations in APC are not a common cause of disease (Spier I et al. Genet Med. 2024 Feb;26(2):100992). Based on the available evidence, the clinical significance of this variant remains unclear.

NM_000038.6(APC):c.3338A>T (p.Asn1113Ile)

Gene: APC (APC regulator of Wnt signaling pathway; plus strand). Cytogenetic location: 5q22.2.
Variant type: single nucleotide variant.
Coding change: c.3338A>T on transcript NM_000038.6 (MANE Select); coding-DNA position 3338, A replaced by T.
Protein change: p.Asn1113Ile; replaces asparagine 1113 with isoleucine.
Molecular consequence: missense variant.
Genome position (GRCh38, 1-based): chr5:112,838,932, A>T. VCF-style: chr5-112838932-A-T. GRCh37 (hg19) VCF-style: chr5-112174629-A-T.
Other names: c.3338A>T, p.Asn1113Ile (NM_001127510.3, NM_001354895.2); c.3284A>T, p.Asn1095Ile (NM_001127511.3); c.3392A>T, p.Asn1131Ile (NM_001354896.2); c.3368A>T, p.Asn1123Ile (NM_001354897.2); c.3263A>T, p.Asn1088Ile (NM_001354898.2); c.3254A>T, p.Asn1085Ile (NM_001354899.2); c.3215A>T, p.Asn1072Ile (NM_001354900.2); c.3161A>T, p.Asn1054Ile (NM_001354901.2); and 5 more; short protein forms N1085I, N1022I, N1054I, N1072I, N1095I, N1113I, N987I, N1012I.
Identifiers: ClinVar variation 1481791 (VCV001481791.12), dbSNP rs2149889854, ClinGen allele CA16028653.
Genomic context (GRCh38, chr5:112,838,932, plus strand): 5'-TTGGACAGCAGGAATGTGTTTCTCCATACAGGTCACGGGGAGCCAATGGTTCAGAAACAA[A>T]TCGAGTGGGTTCTAATCATGGAATTAATCAAAATGTAAGCCAGTCTTTGTGTCAAGAAGA-3'
Protein context (NP_000029.2, residues 1103-1123): RSRGANGSET[Asn1113Ile]RVGSNHGINQ